The following is an entry in ClinVar:

ClinVar aggregate classification (germline): Uncertain significance (1 of 4 stars; one submission).

gnomAD v4.1: 1 of 1,548,746 alleles (0.000065%); no homozygotes.

Submission:

Labcorp Genetics (formerly Invitae), Labcorp
Classification: Uncertain significance. Last evaluated: 2021-08-24. Review status: criteria provided, single submitter. Criteria: Invitae Variant Classification Sherloc (09022015). Collection method: clinical testing. Allele origin: germline.
Comment: This sequence change replaces isoleucine with valine at codon 1872 of the EYS protein (p.Ile1872Val). The isoleucine residue is moderately conserved and there is a small physicochemical difference between isoleucine and valine. This variant is not present in population databases (ExAC no frequency). This variant has not been reported in the literature in individuals affected with EYS-related conditions. Algorithms developed to predict the effect of missense changes on protein structure and function output the following: SIFT: "Tolerated"; PolyPhen-2: "Benign"; Align-GVGD: "Class C0". The valine amino acid residue is found in multiple mammalian species, which suggests that this missense change does not adversely affect protein function. In summary, the available evidence is currently insufficient to determine the role of this variant in disease. Therefore, it has been classified as a Variant of Uncertain Significance.

NM_001142800.2(EYS):c.5614A>G (p.Ile1872Val)

Gene: EYS (eyes shut homolog; minus strand). Cytogenetic location: 6q12.
Variant type: single nucleotide variant.
Coding change: c.5614A>G on transcript NM_001142800.2 (MANE Select); coding-DNA position 5614, A replaced by G.
Protein change: p.Ile1872Val; replaces isoleucine 1872 with valine.
Molecular consequence: missense variant.
Genome position (GRCh38, 1-based): chr6:64,590,253, T>C on the plus strand (A>G on the coding strand, the complement: EYS is on the minus strand). VCF-style: chr6-64590253-T-C. GRCh37 (hg19) VCF-style: chr6-65300146-T-C.
Other names: c.5614A>G, p.Ile1872Val (NM_001292009.2); short protein forms I1872V.
Identifiers: ClinVar variation 2150512 (VCV002150512.1), dbSNP rs948057309, ClinGen allele CA140340858.